The following is an entry in ClinVar:

NM_017849.4(TMEM127):c.394G>A (p.Ala132Thr)

Gene: TMEM127 (transmembrane protein 127; minus strand). Cytogenetic location: 2q11.2.
Variant type: single nucleotide variant.
Coding change: c.394G>A on transcript NM_017849.4 (MANE Select); coding-DNA position 394, G replaced by A.
Protein change: p.Ala132Thr; replaces alanine 132 with threonine.
Molecular consequence: missense variant.
Genome position (GRCh38, 1-based): chr2:96,254,848, C>T on the plus strand (G>A on the coding strand, the complement: TMEM127 is on the minus strand). VCF-style: chr2-96254848-C-T. GRCh37 (hg19) VCF-style: chr2-96920586-C-T.
Other names: c.394G>A, p.Ala132Thr (NM_001193304.3); short protein forms A132T.
Identifiers: ClinVar variation 186727 (VCV000186727.24), dbSNP rs750870974, ClinGen allele CA195674.
Genomic context (GRCh38, chr2:96,254,848, plus strand): 5'-CCCTGTAGCAGTTCCTCTCCCACTGTGAGCAGGCTCACGGCTTACCCGTTAGGATATGGG[C>T]GAAGGCATAGCGACGAGTGATCTTCAGAGCAGGATGCTTCGGCCCAAAGACATCCAGAAG-3'
Protein context (NP_060319.1, residues 122-142): ALKITRRYAF[Ala132Thr]HILTVLQCAT

ClinVar aggregate classification (germline): Conflicting classifications of pathogenicity. Review status: criteria provided, conflicting classifications (1 of 4 stars). 7 submissions from 7 submitters: Uncertain significance (1); Benign (2); Likely benign (4). Last evaluated 2026-03-06.

Conditions:
TMEM127-related disorder. Also called: TMEM127-related condition.
Hereditary cancer-predisposing syndrome. Also called: Neoplastic Syndromes, Hereditary; Tumor predisposition; Hereditary neoplastic syndrome; Hereditary Cancer Syndrome. Identifiers: Orphanet 140162, MedGen C0027672, MeSH D009386, MONDO:0015356.
Hereditary pheochromocytoma and paraganglioma. Also called: Hereditary pheochromocytoma-paraganglioma; Hereditary paragangliomas and pheochromocytomas; Hereditary Paraganglioma-Pheochromocytoma Syndromes. Identifiers: Orphanet 29072, MedGen C4274332, MONDO:0017366.
Pheochromocytoma. Also called: MAX-Related Hereditary Paraganglioma-Pheochromocytoma Syndrome. Identifiers: Orphanet 29072, MedGen C0031511, MONDO:0008233, OMIM 171300, HP:0002666.

Allele frequency attached by ClinVar (database versions not stated): gnomAD 0.00001; TOPMed 0.00001; gnomAD exomes 0.00008 and 0.00015; ExAC 0.00023.
gnomAD v4.1: 121 of 1,613,944 alleles (0.0075%); highest among the groups gnomAD compares: East Asian, 0.21%; no homozygotes.

Submissions (7):

PreventionGenetics, part of Exact Sciences
Classification: Likely benign for TMEM127-related condition. Last evaluated: 2026-03-06. Review status: criteria provided, single submitter. Criteria: ACMG Guidelines, 2015. Collection method: clinical testing. Allele origin: germline.
Comment: This variant is classified as likely benign based on ACMG/AMP sequence variant interpretation guidelines (Richards et al. 2015 PMID: 25741868, with internal and published modifications).

Labcorp Genetics (formerly Invitae), Labcorp
Classification: Likely benign for Hereditary pheochromocytoma and paraganglioma. Last evaluated: 2026-02-01. Review status: criteria provided, single submitter. Criteria: Invitae Variant Classification Sherloc (09022015). Collection method: clinical testing. Allele origin: germline.

Quest Diagnostics Nichols Institute San Juan Capistrano
Classification: Benign. Last evaluated: 2025-11-05. Review status: criteria provided, single submitter. Criteria: Quest Diagnostics criteria. Collection method: clinical testing. Allele origin: unknown.

Blueprint Genetics
Classification: Likely benign. Last evaluated: 2024-11-08. Review status: criteria provided, single submitter. Criteria: ACMG Guidelines, 2015. Collection method: clinical testing. Allele origin: germline.

Revvity Omics, Revvity
Classification: Uncertain significance. Last evaluated: 2023-03-29. Review status: criteria provided, single submitter. Criteria: ACMG Guidelines, 2015. Collection method: clinical testing. Allele origin: germline.

Ambry Genetics
Classification: Likely benign for Hereditary cancer-predisposing syndrome. Last evaluated: 2018-05-31. Review status: criteria provided, single submitter. Criteria: Ambry Variant Classification Scheme 2023. Collection method: clinical testing. Allele origin: germline.

Illumina Laboratory Services, Illumina
Classification: Benign for Pheochromocytoma. Last evaluated: 2018-01-12. Review status: criteria provided, single submitter. Criteria: ICSL Variant Classification Criteria 13 December 2019. Collection method: clinical testing. Allele origin: germline.
Comment: This variant was observed in the ICSL laboratory as part of a predisposition screen in an ostensibly healthy population. It had not been previously curated by ICSL or reported in the Human Gene Mutation Database (HGMD: prior to June 1st, 2018), and was therefore a candidate for classification through an automated scoring system. Utilizing variant allele frequency, disease prevalence and penetrance estimates, and inheritance mode, an automated score was calculated to assess if this variant is too frequent to cause the disease. Based on the score and internal cut-off values, a variant classified as benign is not then subjected to further curation. The score for this variant resulted in a classification of benign for this disease.

Literature cited by the submitters: PubMed 32654197 (cited by Quest Diagnostics Nichols Institute San Juan Capistrano).